The following is an entry in ClinVar:

ClinVar aggregate classification (germline): Uncertain significance (1 of 4 stars; one submission).

Conditions:
Hereditary breast ovarian cancer syndrome. Also called: BRCA1- and BRCA2-Associated Hereditary Breast and Ovarian Cancer; Hereditary breast and ovarian cancer; Hereditary breast and ovarian cancer syndrome; Breast and ovarian cancer; Hereditary breast and ovarian cancer syndrome (HBOC); Hereditary breast and/or ovarian cancer syndrome. Identifiers: Orphanet 145, MedGen C0677776, MeSH D061325, MONDO:0003582. Disease mechanism: loss of function.

Submission:

Labcorp Genetics (formerly Invitae), Labcorp
Classification: Uncertain significance for Hereditary breast ovarian cancer syndrome. Last evaluated: 2023-09-25. Review status: criteria provided, single submitter. Criteria: Invitae Variant Classification Sherloc (09022015). Collection method: clinical testing. Allele origin: germline.
Comment: This variant is not present in population databases (gnomAD no frequency). This variant has not been reported in the literature in individuals affected with BRCA2-related conditions. Advanced modeling of protein sequence and biophysical properties (such as structural, functional, and spatial information, amino acid conservation, physicochemical variation, residue mobility, and thermodynamic stability) performed at Invitae indicates that this missense variant is not expected to disrupt BRCA2 protein function. In summary, the available evidence is currently insufficient to determine the role of this variant in disease. Therefore, it has been classified as a Variant of Uncertain Significance. This sequence change replaces lysine, which is basic and polar, with glutamic acid, which is acidic and polar, at codon 434 of the BRCA2 protein (p.Lys434Glu).

NM_000059.4(BRCA2):c.1300A>G (p.Lys434Glu)

Gene: BRCA2 (BRCA2 DNA repair associated; plus strand). Cytogenetic location: 13q13.1.
Variant type: single nucleotide variant.
Coding change: c.1300A>G on transcript NM_000059.4 (MANE Select); coding-DNA position 1300, A replaced by G.
Protein change: p.Lys434Glu; replaces lysine 434 with glutamic acid.
Molecular consequence: missense variant. On other transcripts: non-coding transcript variant (1), intron variant (1).
Genome position (GRCh38, 1-based): chr13:32,332,778, A>G. VCF-style: chr13-32332778-A-G. GRCh37 (hg19) VCF-style: chr13-32906915-A-G.
Other names: c.1300A>G, p.Lys434Glu (NM_001406719.1, NM_001406720.1, NM_001406721.1); c.424+1748A>G (NM_001406722.1); short protein forms K434E.
Identifiers: ClinVar variation 3011583 (VCV003011583.3), dbSNP rs2137469817, ClinGen allele CA387762534.
Genomic context (GRCh38, chr13:32,332,778, plus strand): 5'-TTGCATATTTCTTCATGTGACCAAAATATTTCAGAAAAAGACCTATTAGACACAGAGAAC[A>G]AAAGAAAGAAAGATTTTCTTACTTCAGAGAATTCTTTGCCACGTATTTCTAGCCTACCAA-3'
Protein context (NP_000050.3, residues 424-444): SEKDLLDTEN[Lys434Glu]RKKDFLTSEN